The following is an entry in ClinVar:

ClinVar aggregate classification (germline): Uncertain significance. Review status: criteria provided, multiple submitters, no conflicts (2 of 4 stars). 3 submissions from 3 submitters: Uncertain significance (3). Last evaluated 2022-08-16.

Conditions:
Inborn genetic diseases. Identifiers: MedGen C0950123, MeSH D030342.
Citrullinemia. Identifiers: Orphanet 187, MedGen C0175683, MONDO:0015991.
Citrullinemia type I (CTNL1). Also called: argininosuccinate synthetase deficiency; ASS DEFICIENCY. Identifiers: Orphanet 247525, MedGen C4721769, MONDO:0008988, OMIM 215700.

Allele frequency attached by ClinVar (database versions not stated): TOPMed 0.00007.
gnomAD v4.1: 107 of 1,614,090 alleles (0.0066%); highest among the groups gnomAD compares: Non-Finnish European, 0.0083%; no homozygotes.

Submissions (3):

Labcorp Genetics (formerly Invitae), Labcorp
Classification: Uncertain significance for Citrullinemia. Last evaluated: 2022-08-16. Review status: criteria provided, single submitter. Criteria: Invitae Variant Classification Sherloc (09022015). Collection method: clinical testing. Allele origin: germline.
Comment: This sequence change replaces glycine, which is neutral and non-polar, with alanine, which is neutral and non-polar, at codon 5 of the ASS1 protein (p.Gly5Ala). This variant is present in population databases (rs201700775, gnomAD 0.01%). This variant has not been reported in the literature in individuals affected with ASS1-related conditions. ClinVar contains an entry for this variant (Variation ID: 203633). Algorithms developed to predict the effect of missense changes on protein structure and function (SIFT, PolyPhen-2, Align-GVGD) all suggest that this variant is likely to be tolerated. In summary, the available evidence is currently insufficient to determine the role of this variant in disease. Therefore, it has been classified as a Variant of Uncertain Significance.

Ambry Genetics
Classification: Uncertain significance for Inborn genetic diseases. Last evaluated: 2021-07-14. Review status: criteria provided, single submitter. Criteria: Ambry Variant Classification Scheme 2023. Collection method: clinical testing. Allele origin: germline.

Illumina Laboratory Services, Illumina
Classification: Uncertain significance for Citrullinemia type I. Last evaluated: 2018-01-12. Review status: criteria provided, single submitter. Criteria: ICSL Variant Classification Criteria 13 December 2019. Collection method: clinical testing. Allele origin: germline.

NM_054012.4(ASS1):c.14G>C (p.Gly5Ala)

Gene: ASS1 (argininosuccinate synthase 1; plus strand). Cytogenetic location: 9q34.11.
Variant type: single nucleotide variant.
Coding change: c.14G>C on transcript NM_054012.4 (MANE Select); coding-DNA position 14, G replaced by C.
Protein change: p.Gly5Ala; replaces glycine 5 with alanine.
Molecular consequence: missense variant.
Genome position (GRCh38, 1-based): chr9:130,452,242, G>C. VCF-style: chr9-130452242-G-C. GRCh37 (hg19) VCF-style: chr9-133327629-G-C.
Other names: c.14G>C, p.Gly5Ala (NM_000050.4); short protein forms G5A.
Identifiers: ClinVar variation 203633 (VCV000203633.7), dbSNP rs201700775, ClinGen allele CA312354.